The following is an entry in ClinVar:

NM_181882.3(PRX):c.2300A>G (p.His767Arg)

Gene: PRX (periaxin; minus strand). Cytogenetic location: 19q13.2.
Variant type: single nucleotide variant.
Coding change: c.2300A>G on transcript NM_181882.3 (MANE Select); coding-DNA position 2300, A replaced by G.
Protein change: p.His767Arg; replaces histidine 767 with arginine.
Molecular consequence: missense variant. On other transcripts: 3 prime UTR variant (1).
Genome position (GRCh38, 1-based): chr19:40,396,052, T>C on the plus strand (A>G on the coding strand, the complement: PRX is on the minus strand). VCF-style: chr19-40396052-T-C. GRCh37 (hg19) VCF-style: chr19-40901959-T-C.
Other names: c.*2505A>G (NM_020956.2); short protein forms H767R.
Identifiers: ClinVar variation 1307241 (VCV001307241.2), dbSNP rs760124085, ClinGen allele CA405896584.

ClinVar aggregate classification (germline): Uncertain significance (1 of 4 stars; one submission).

Submission:

GeneDx
Classification: Uncertain significance. Last evaluated: 2019-07-25. Review status: criteria provided, single submitter. Criteria: GeneDx Variant Classification Process June 2021. Collection method: clinical testing. Allele origin: germline. Affected: yes.
Comment: Not observed in large population cohorts (Lek et al., 2016); In silico analysis, which includes protein predictors and evolutionary conservation, supports that this variant does not alter protein structure/function; Has not been previously published as pathogenic or benign to our knowledge